The following is an entry in ClinVar:

ClinVar aggregate classification (germline): Uncertain significance (1 of 4 stars; one submission).

Conditions:
Inborn genetic diseases. Identifiers: MedGen C0950123, MeSH D030342.

Submission:

Ambry Genetics
Classification: Uncertain significance for Inborn genetic diseases. Last evaluated: 2026-05-14. Review status: criteria provided, single submitter. Criteria: Ambry Variant Classification Scheme 2023. Collection method: clinical testing. Allele origin: germline.
Comment: The p.N1687D variant (also known as c.5059A>G), located in coding exon 34 of the ANKRD26 gene, results from an A to G substitution at nucleotide position 5059. The asparagine at codon 1687 is replaced by aspartic acid, an amino acid with highly similar properties. This amino acid position is conserved. In addition, this alteration is predicted to be tolerated by in silico analysis. Based on the available evidence, the clinical significance of this variant remains unclear.

NM_014915.3(ANKRD26):c.5059A>G (p.Asn1687Asp)

Gene: ANKRD26 (ankyrin repeat domain 26; minus strand). Cytogenetic location: 10p12.1.
Variant type: single nucleotide variant.
Coding change: c.5059A>G on transcript NM_014915.3 (MANE Select); coding-DNA position 5059, A replaced by G.
Protein change: p.Asn1687Asp; replaces asparagine 1687 with aspartic acid.
Molecular consequence: missense variant.
Genome position (GRCh38, 1-based): chr10:27,005,664, T>C on the plus strand (A>G on the coding strand, the complement: ANKRD26 is on the minus strand). VCF-style: chr10-27005664-T-C. GRCh37 (hg19) VCF-style: chr10-27294593-T-C.
Other names: c.5056A>G, p.Asn1686Asp (NM_001256053.2); short protein forms N1686D, N1687D.
Identifiers: ClinVar variation 4859816 (VCV004859816.1).